The following is an entry in ClinVar:

ClinVar aggregate classification (germline): Uncertain significance (1 of 4 stars; one submission).

Conditions:
Tietz syndrome (TADS). Also called: HYPOPIGMENTATION/DEAFNESS OF TIETZ; TIETZ ALBINISM-DEAFNESS SYNDROME; ALBINISM-DEAFNESS OF TIETZ. Identifiers: Orphanet 42665, MedGen C0391816, MONDO:0007077, OMIM 103500.
Waardenburg syndrome type 2A (WS2A). Also called: WAARDENBURG SYNDROME WITHOUT DYSTOPIA CANTHORUM. Identifiers: Orphanet 3440, MedGen C1860339, MONDO:0008671, OMIM 193510.
Melanoma, cutaneous malignant, susceptibility to, 8. Also called: MELANOMA AND RENAL CELL CARCINOMA, SUSCEPTIBILITY TO; Cutaneous malignant melanoma 8. Identifiers: Orphanet 293822, MedGen C3152204, MONDO:0013759, OMIM 614456.

Submission:

Labcorp Genetics (formerly Invitae), Labcorp
Classification: Uncertain significance for Melanoma, cutaneous malignant, susceptibility to, 8; Waardenburg syndrome type 2A; Tietz syndrome. Last evaluated: 2026-01-26. Review status: criteria provided, single submitter. Criteria: Invitae Variant Classification Sherloc (09022015). Collection method: clinical testing. Allele origin: germline.
Comment: This variant, c.1017_1019del, results in the deletion of 1 amino acid(s) of the MITF protein (p.Thr340del), but otherwise preserves the integrity of the reading frame. This variant is not present in population databases (gnomAD no frequency). This variant has not been reported in the literature in individuals affected with MITF-related conditions. Experimental studies and prediction algorithms are not available or were not evaluated, and the functional significance of this variant is currently unknown. In summary, the available evidence is currently insufficient to determine the role of this variant in disease. Therefore, it has been classified as a Variant of Uncertain Significance.

NM_001354604.2(MITF):c.1335AAC[1] (p.Thr447del)

Gene: MITF (melanocyte inducing transcription factor; plus strand). Cytogenetic location: 3p13.
Variant type: Microsatellite.
Coding change: c.1335AAC[1] on transcript NM_001354604.2 (MANE Select); one copy of the 3-base unit AAC starting at c.1335; the reference has two copies in a row; one copy, 3 bases deleted.
Protein change: p.Thr447del; deletes threonine 447.
Molecular consequence: inframe deletion.
Genome position (GRCh38, 1-based): chr3:69,965,005-69,965,007, AAC deleted; deleting any 3 consecutive bases within chr3:69,965,000-69,965,007 gives the same sequence; the position shown is the placement nearest the transcript's 3' end. VCF-style (leftmost placement, unchanged base first): chr3-69964999-TACA-T. GRCh37 (hg19) VCF-style: chr3-70014150-TACA-T.
Other names: c.1014AAC[1], p.Thr340del (NM_000248.4); c.1161AAC[1], p.Thr389del (NM_001184967.2, NM_001354608.2); c.1332AAC[1], p.Thr446del (NM_001354605.2); c.1314AAC[1], p.Thr440del (NM_001354606.2, NM_006722.3); c.1266AAC[1], p.Thr424del (NM_001354607.2); c.996AAC[1], p.Thr334del (NM_198158.3); c.1317AAC[1], p.Thr441del (NM_198159.3); c.1269AAC[1], p.Thr425del (NM_198177.3); and 1 more; short protein forms T278del, T334del, T340del, T389del, T424del, T425del, T440del, T441del.
Identifiers: ClinVar variation 3751926 (VCV003751926.2).